The following is an entry in ClinVar:

NM_001134407.3(GRIN2A):c.1652-19T>C

Gene: GRIN2A (glutamate ionotropic receptor NMDA type subunit 2A; minus strand). Cytogenetic location: 16p13.2.
Variant type: single nucleotide variant.
Coding change: c.1652-19T>C on transcript NM_001134407.3 (MANE Select); 19 bases into the intron before coding-DNA position 1652, T replaced by C.
Molecular consequence: intron variant.
Genome position (GRCh38, 1-based): chr16:9,834,249, A>G on the plus strand (T>C on the coding strand, the complement: GRIN2A is on the minus strand). VCF-style: chr16-9834249-A-G. GRCh37 (hg19) VCF-style: chr16-9928106-A-G.
Other names: c.1652-19T>C (NM_001134408.2, NM_000833.5).
Identifiers: ClinVar variation 507412 (VCV000507412.10), dbSNP rs778659119, ClinGen allele CA7896655.

ClinVar aggregate classification (germline): Likely benign. Review status: criteria provided, multiple submitters, no conflicts (2 of 4 stars). 3 submissions from 3 submitters: Likely benign (3). Last evaluated 2025-12-11.

Conditions:
Landau-Kleffner syndrome (FESD). Also called: EPILEPSY, FOCAL, WITH SPEECH DISORDER AND WITH OR WITHOUT MENTAL RETARDATION; APHASIA, ACQUIRED, WITH EPILEPSY. Identifiers: Orphanet 1945, Orphanet 725, Orphanet 98818, MedGen C0282512, MONDO:0009509, OMIM 245570.

Allele frequency attached by ClinVar (database versions not stated): gnomAD exomes 0.00004 and 0.00011; ExAC 0.00002; gnomAD 0.00007; TOPMed 0.00007.
gnomAD v4.1: 177 of 1,613,578 alleles (0.011%); highest among the groups gnomAD compares: Non-Finnish European, 0.014%; no homozygotes.

Submissions (3):

Labcorp Genetics (formerly Invitae), Labcorp
Classification: Likely benign for Landau-Kleffner syndrome. Last evaluated: 2025-12-11. Review status: criteria provided, single submitter. Criteria: Invitae Variant Classification Sherloc (09022015). Collection method: clinical testing. Allele origin: germline.

Blueprint Genetics
Classification: Likely benign. Last evaluated: 2024-04-30. Review status: criteria provided, single submitter. Criteria: ACMG Guidelines, 2015. Collection method: clinical testing. Allele origin: germline.

GeneDx
Classification: Likely benign. Last evaluated: 2017-09-21. Review status: criteria provided, single submitter. Criteria: GeneDx Variant Classification (06012015). Collection method: clinical testing. Allele origin: germline. Affected: yes.
Comment: This variant is considered likely benign or benign based on one or more of the following criteria: it is a conservative change, it occurs at a poorly conserved position in the protein, it is predicted to be benign by multiple in silico algorithms, and/or has population frequency not consistent with disease.